The following is an entry in ClinVar:

ClinVar aggregate classification (germline): Conflicting classifications of pathogenicity. Review status: criteria provided, conflicting classifications (1 of 4 stars). 5 submissions from 5 submitters: Uncertain significance (1); Likely benign (4). Last evaluated 2025-07-15.

Conditions:
DYSF-related disorder. Also called: DYSF-related disorders; DYSF-related condition.
Neuromuscular disease caused by qualitative or quantitative defects of dysferlin. Also called: Qualitative or quantitative defects of dysferlin; Dysferlinopathy. Identifiers: Orphanet 207073, MedGen C2931687, MONDO:0016145.

Allele frequency attached by ClinVar (database versions not stated): TOPMed 0.00002; 1000 Genomes Project 30x 0.00016; 1000 Genomes Project 0.00020.
gnomAD v4.1: 26 of 1,613,878 alleles (0.0016%); highest among the groups gnomAD compares: Admixed American, 0.0067%; no homozygotes.

Submissions (5):

PreventionGenetics, part of Exact Sciences
Classification: Likely benign for DYSF-related condition. Last evaluated: 2025-07-15. Review status: criteria provided, single submitter. Criteria: ACMG Guidelines, 2015. Collection method: clinical testing. Allele origin: germline.
Comment: This variant is classified as likely benign based on ACMG/AMP sequence variant interpretation guidelines (Richards et al. 2015 PMID: 25741868, with internal and published modifications).

Labcorp Genetics (formerly Invitae), Labcorp
Classification: Likely benign for Neuromuscular disease caused by qualitative or quantitative defects of dysferlin. Last evaluated: 2025-06-27. Review status: criteria provided, single submitter. Criteria: Invitae Variant Classification Sherloc (09022015). Collection method: clinical testing. Allele origin: germline.

Blueprint Genetics
Classification: Likely benign. Last evaluated: 2022-08-12. Review status: criteria provided, single submitter. Criteria: ACMG Guidelines, 2015. Collection method: clinical testing. Allele origin: germline.

GeneDx
Classification: Likely benign. Last evaluated: 2018-04-19. Review status: criteria provided, single submitter. Criteria: GeneDx Variant Classification (06012015). Collection method: clinical testing. Allele origin: germline. Affected: yes.
Comment: This variant is considered likely benign or benign based on one or more of the following criteria: it is a conservative change, it occurs at a poorly conserved position in the protein, it is predicted to be benign by multiple in silico algorithms, and/or has population frequency not consistent with disease.

Eurofins Ntd Llc (ga)
Classification: Uncertain significance. Last evaluated: 2016-12-27. Review status: criteria provided, single submitter. Criteria: EGL Classification Definitions 2015. Collection method: clinical testing. Allele origin: germline. Observed: 1 variant allele, 1 heterozygote.

NM_001130987.2(DYSF):c.1371G>A (p.Ala457=)

Gene: DYSF (dysferlin; plus strand). Cytogenetic location: 2p13.2.
Variant type: single nucleotide variant.
Coding change: c.1371G>A on transcript NM_001130987.2 (MANE Select); coding-DNA position 1371, G replaced by A.
Protein change: p.Ala457=; no amino-acid change (alanine 457 retained).
Molecular consequence: synonymous variant.
Genome position (GRCh38, 1-based): chr2:71,528,392, G>A. VCF-style: chr2-71528392-G-A. GRCh37 (hg19) VCF-style: chr2-71755522-G-A.
Other names: c.1278G>A, p.Ala426= (NM_001130455.2, NM_001130983.2, NM_001130984.2 and 1 more transcripts); c.1275G>A, p.Ala425= (NM_001130976.2, NM_001130977.2, NM_001130978.2 and 1 more transcripts); c.1368G>A, p.Ala456= (NM_001130979.2, NM_001130980.2, NM_001130981.2); c.1371G>A, p.Ala457= (NM_001130982.2, NM_001130985.2).
Identifiers: ClinVar variation 499047 (VCV000499047.19), dbSNP rs140667960, ClinGen allele CA1705709.
Genomic context (GRCh38, chr2:71,528,392, plus strand): 5'-CTTTGGCTTCGAGAGTAACAAGAAGAACTTGGTGGACCCCTTTGTGGAGGTCAGCTTTGC[G>A]GGGAAAATGGTAAGGAGCAAGGGAGCAGGAGGGTTCTCTCGGGAGGGGACTTTCTGGTGC-3'
Protein context (NP_001124459.1, residues 447-467): LVDPFVEVSF[Ala457=]GKMLCSKILE